The following is an entry in ClinVar:

ClinVar aggregate classification (germline): Benign. Review status: criteria provided, multiple submitters, no conflicts (2 of 4 stars). 7 submissions from 6 submitters: Benign (7). Last evaluated 2026-06-19.

Conditions:
Usher syndrome type 1D (USH1D). Also called: USHER SYNDROME, TYPE ID. Identifiers: Orphanet 231169, Orphanet 886, MedGen C1832845, MONDO:0010984, OMIM 601067.
Autosomal recessive nonsyndromic hearing loss 12. Also called: DEAFNESS, AUTOSOMAL RECESSIVE 12. Identifiers: Orphanet 90636, MedGen C1832394, MONDO:0011067, OMIM 601386.

Allele frequency attached by ClinVar (database versions not stated): gnomAD 0.02940 and 0.03362; 1000 Genomes Project 0.08786; 1000 Genomes Project 30x 0.08370; ESP Exome Variant Server 0.01402; TOPMed 0.04406; ExAC 0.08605.
gnomAD v4.1: 39,040 of 1,565,888 alleles (2.5%); highest among the groups gnomAD compares: East Asian, 26%; 2,565 homozygotes.

Submissions (7):

Women's Health and Genetics/Laboratory Corporation of America, LabCorp
Classification: Benign. Last evaluated: 2026-06-19. Review status: criteria provided, single submitter. Criteria: LabCorp Variant Classification Summary - May 2015. Collection method: clinical testing. Allele origin: germline.

Labcorp Genetics (formerly Invitae), Labcorp
Classification: Benign. Last evaluated: 2026-02-04. Review status: criteria provided, single submitter. Criteria: Invitae Variant Classification Sherloc (09022015). Collection method: clinical testing. Allele origin: germline.

Genome-Nilou Lab
Classification: Benign for Usher syndrome type 1D. Last evaluated: 2021-07-01. Review status: criteria provided, single submitter. Criteria: ACMG Guidelines, 2015. Collection method: clinical testing. Allele origin: germline. Affected: no.

Genome-Nilou Lab
Classification: Benign for Autosomal recessive nonsyndromic hearing loss 12. Last evaluated: 2021-07-01. Review status: criteria provided, single submitter. Criteria: ACMG Guidelines, 2015. Collection method: clinical testing. Allele origin: germline. Affected: no.

GeneDx
Classification: Benign. Last evaluated: 2013-03-05. Review status: criteria provided, single submitter. Criteria: GeneDx Variant Classification (06012015). Collection method: clinical testing. Allele origin: germline. Affected: yes.
Comment: This variant is considered likely benign or benign based on one or more of the following criteria: it is a conservative change, it occurs at a poorly conserved position in the protein, it is predicted to be benign by multiple in silico algorithms, and/or has population frequency not consistent with disease.

Breakthrough Genomics
Classification: Benign. Review status: criteria provided, single submitter. Criteria: ACMG Guidelines, 2015. Collection method: not provided. Allele origin: germline. Inheritance: Autosomal recessive inheritance. Affected: yes.

PreventionGenetics, part of Exact Sciences
Classification: Benign. Review status: criteria provided, single submitter. Criteria: ACMG Guidelines, 2015. Collection method: clinical testing. Allele origin: germline.

NM_022124.6(CDH23):c.2060-19C>G

Gene: CDH23 (cadherin related 23; plus strand). Cytogenetic location: 10q22.1.
Variant type: single nucleotide variant.
Coding change: c.2060-19C>G on transcript NM_022124.6 (MANE Select); 19 bases into the intron before coding-DNA position 2060, C replaced by G.
Molecular consequence: intron variant.
Genome position (GRCh38, 1-based): chr10:71,690,449, C>G. VCF-style: chr10-71690449-C-G. GRCh37 (hg19) VCF-style: chr10-73450206-C-G.
Other names: c.2060-19C>G (NM_001171930.2, NM_001171931.2).
Identifiers: ClinVar variation 136700 (VCV000136700.16), dbSNP rs2290024, ClinGen allele CA290021.